The following is an entry in ClinVar:

ClinVar aggregate classification (germline): Uncertain significance. Review status: criteria provided, multiple submitters, no conflicts (2 of 4 stars). 2 submissions from 2 submitters: Uncertain significance (2). Last evaluated 2024-10-16.

Allele frequency attached by ClinVar (database versions not stated): ExAC 0.00010; ESP Exome Variant Server 0.00015; gnomAD 0.00015; TOPMed 0.00018; gnomAD exomes 0.00034.
gnomAD v4.1: 519 of 1,608,540 alleles (0.032%); highest among the groups gnomAD compares: Non-Finnish European, 0.042%; no homozygotes.

Submissions (2):

Ambry Genetics
Classification: Uncertain significance. Last evaluated: 2024-10-16. Review status: criteria provided, single submitter. Criteria: Ambry Variant Classification Scheme 2023. Collection method: clinical testing. Allele origin: germline.

Labcorp Genetics (formerly Invitae), Labcorp
Classification: Uncertain significance. Last evaluated: 2023-07-12. Review status: criteria provided, single submitter. Criteria: Invitae Variant Classification Sherloc (09022015). Collection method: clinical testing. Allele origin: germline.
Comment: In summary, the available evidence is currently insufficient to determine the role of this variant in disease. Therefore, it has been classified as a Variant of Uncertain Significance. An algorithm developed to predict the effect of missense changes on protein structure and function (PolyPhen-2) suggests that this variant is likely to be disruptive. This sequence change replaces isoleucine, which is neutral and non-polar, with threonine, which is neutral and polar, at codon 305 of the STEAP3 protein (p.Ile305Thr). This variant is present in population databases (rs144575753, gnomAD 0.02%). This variant has not been reported in the literature in individuals affected with STEAP3-related conditions. ClinVar contains an entry for this variant (Variation ID: 2358896).

NM_182915.3(STEAP3):c.944T>C (p.Ile315Thr)

Genes: STEAP3 (STEAP3 metalloreductase; plus strand), STEAP3-AS1 (STEAP3 antisense RNA 1; minus strand). Cytogenetic location: 2q14.2.
Variant type: single nucleotide variant.
Coding change: c.944T>C on transcript NM_182915.3 (MANE Select); coding-DNA position 944, T replaced by C.
Protein change: p.Ile315Thr; replaces isoleucine 315 with threonine.
Molecular consequence: missense variant.
Genome position (GRCh38, 1-based): chr2:119,248,100, T>C. VCF-style: chr2-119248100-T-C. GRCh37 (hg19) VCF-style: chr2-120005676-T-C.
Other names: c.914T>C, p.Ile305Thr (NM_001008410.2, NM_018234.3, NM_138637.3); short protein forms I305T, I315T.
Identifiers: ClinVar variation 2358896 (VCV002358896.6), dbSNP rs144575753, ClinGen allele CA1846747.
Genomic context (GRCh38, chr2:119,248,100, plus strand): 5'-GCACCAAGTACCAGCGCTTCCCCGACTGGCTGGACCACTGGCTACAGCACCGCAAGCAGA[T>C]CGGGCTGCTCAGCTTCTTCTGCGCCGCCCTGCACGCCCTCTACAGCTTCTGCTTGCCGCT-3'
Protein context (NP_878919.2, residues 305-325): LDHWLQHRKQ[Ile315Thr]GLLSFFCAAL